The following is an entry in ClinVar:

ClinVar aggregate classification (germline): Uncertain significance (1 of 4 stars; one submission).

Conditions:
Inborn genetic diseases. Identifiers: MedGen C0950123, MeSH D030342.

Submission:

Ambry Genetics
Classification: Uncertain significance for Inborn genetic diseases. Last evaluated: 2026-06-28. Review status: criteria provided, single submitter. Criteria: Ambry Variant Classification Scheme 2023. Collection method: clinical testing. Allele origin: germline.
Comment: The p.K608N variant (also known as c.1824G>C), located in coding exon 20 of the FANCA gene, results from a G to C substitution at nucleotide position 1824. The lysine at codon 608 is replaced by asparagine, an amino acid with similar properties. This amino acid position is conserved. In addition, this alteration is predicted to be tolerated by in silico analysis. Based on the available evidence, the clinical significance of this variant remains unclear.

NM_000135.4(FANCA):c.1824G>C (p.Lys608Asn)

Gene: FANCA (FA complementation group A; minus strand). Cytogenetic location: 16q24.3.
Variant type: single nucleotide variant.
Coding change: c.1824G>C on transcript NM_000135.4 (MANE Select); coding-DNA position 1824, G replaced by C.
Protein change: p.Lys608Asn; replaces lysine 608 with asparagine.
Molecular consequence: missense variant.
Genome position (GRCh38, 1-based): chr16:89,778,803, C>G on the plus strand (G>C on the coding strand, the complement: FANCA is on the minus strand). VCF-style: chr16-89778803-C-G. GRCh37 (hg19) VCF-style: chr16-89845211-C-G.
Other names: c.1824G>C, p.Lys608Asn (NM_001286167.3); short protein forms K608N.
Identifiers: ClinVar variation 5036327 (VCV005036327.1).